The following is an entry in ClinVar:

ClinVar aggregate classification (germline): Pathogenic (1 of 4 stars; one submission).

Conditions:
Familial adenomatous polyposis 1 (FAP1). Also called: FAMILIAL ADENOMATOUS POLYPOSIS 1, ATTENUATED; POLYPOSIS, ADENOMATOUS INTESTINAL. Identifiers: MedGen C2713442, MONDO:0021056, OMIM 175100. Disease mechanism: loss of function.

Submission:

Myriad Genetics, Inc.
Classification: Pathogenic for Familial adenomatous polyposis 1. Last evaluated: 2023-05-16. Review status: criteria provided, single submitter. Criteria: Myriad Autosomal Dominant, Autosomal Recessive and X-Linked Classification Criteria (2023). Collection method: clinical testing. Allele origin: unknown.
Comment: This variant is considered pathogenic. This variant creates a termination codon and is predicted to result in premature protein truncation.

NM_000038.6(APC):c.6950T>G (p.Leu2317Ter)

Gene: APC (APC regulator of Wnt signaling pathway; plus strand). Cytogenetic location: 5q22.2.
Variant type: single nucleotide variant.
Coding change: c.6950T>G on transcript NM_000038.6 (MANE Select); coding-DNA position 6950, T replaced by G.
Protein change: p.Leu2317Ter; replaces leucine 2317 with a stop codon.
Molecular consequence: nonsense. On other transcripts: non-coding transcript variant (2).
Genome position (GRCh38, 1-based): chr5:112,842,544, T>G. VCF-style: chr5-112842544-T-G. GRCh37 (hg19) VCF-style: chr5-112178241-T-G.
Other names: c.6950T>G, p.Leu2317Ter (NM_001127510.3, NM_001354895.2, NM_001407450.1); c.6896T>G, p.Leu2299Ter (NM_001127511.3); c.7004T>G, p.Leu2335Ter (NM_001354896.2, NM_001407447.1, NM_001407448.1 and 1 more transcripts); c.6980T>G, p.Leu2327Ter (NM_001354897.2); c.6875T>G, p.Leu2292Ter (NM_001354898.2); c.6866T>G, p.Leu2289Ter (NM_001354899.2); c.6827T>G, p.Leu2276Ter (NM_001354900.2); c.6773T>G, p.Leu2258Ter (NM_001354901.2, NM_001407453.1); and 11 more; short protein forms L1933*, L2034*, L2157*, L2188*, L2191*, L2216*, L2226*, L2234*.
Identifiers: ClinVar variation 2584286 (VCV002584286.1), dbSNP rs560565848, ClinGen allele CA16036490.